The following is an entry in ClinVar:

ClinVar aggregate classification (germline): Uncertain significance. Review status: criteria provided, multiple submitters, no conflicts (2 of 4 stars). 4 submissions from 4 submitters: Uncertain significance (4). Last evaluated 2025-06-13.

Conditions:
Cerebral palsy, spastic quadriplegic, 2 (CPSQ2). Identifiers: Orphanet 210141, MedGen C2752061, MONDO:0013033, OMIM 612900.

Allele frequency attached by ClinVar (database versions not stated): ExAC 0.00002.
gnomAD v4.1: 24 of 1,614,054 alleles (0.0015%); highest among the groups gnomAD compares: African/African-American, 0.02%; no homozygotes.

Submissions (4):

Labcorp Genetics (formerly Invitae), Labcorp
Classification: Uncertain significance. Last evaluated: 2025-06-13. Review status: criteria provided, single submitter. Criteria: Invitae Variant Classification Sherloc (09022015). Collection method: clinical testing. Allele origin: germline.
Comment: This sequence change replaces valine, which is neutral and non-polar, with leucine, which is neutral and non-polar, at codon 357 of the KANK1 protein (p.Val357Leu). This variant is present in population databases (rs756738968, gnomAD 0.02%). This variant has not been reported in the literature in individuals affected with KANK1-related conditions. ClinVar contains an entry for this variant (Variation ID: 1446183). Invitae Evidence Modeling of protein sequence and biophysical properties (such as structural, functional, and spatial information, amino acid conservation, physicochemical variation, residue mobility, and thermodynamic stability) indicates that this missense variant is not expected to disrupt KANK1 protein function with a negative predictive value of 80%. In summary, the available evidence is currently insufficient to determine the role of this variant in disease. Therefore, it has been classified as a Variant of Uncertain Significance.

Ambry Genetics
Classification: Uncertain significance. Last evaluated: 2023-04-07. Review status: criteria provided, single submitter. Criteria: Ambry Variant Classification Scheme 2023. Collection method: clinical testing. Allele origin: germline.

Fulgent Genetics
Classification: Uncertain significance for Cerebral palsy, spastic quadriplegic, 2. Last evaluated: 2021-12-07. Review status: criteria provided, single submitter. Criteria: ACMG Guidelines, 2015. Collection method: clinical testing. Allele origin: unknown.

Breakthrough Genomics
Classification: Uncertain significance. Review status: criteria provided, single submitter. Criteria: ACMG Guidelines, 2015. Collection method: not provided. Allele origin: germline. Inheritance: Autosomal recessive inheritance. Affected: yes.

NM_015158.5(KANK1):c.1069G>C (p.Val357Leu)

Gene: KANK1 (KN motif and ankyrin repeat domains 1; plus strand). Cytogenetic location: 9p24.3.
Variant type: single nucleotide variant.
Coding change: c.1069G>C on transcript NM_015158.5 (MANE Select); coding-DNA position 1069, G replaced by C.
Protein change: p.Val357Leu; replaces valine 357 with leucine.
Molecular consequence: missense variant. On other transcripts: non-coding transcript variant (1).
Genome position (GRCh38, 1-based): chr9:711,835, G>C. VCF-style: chr9-711835-G-C. GRCh37 (hg19) VCF-style: chr9-711835-G-C.
Other names: c.1069G>C, p.Val357Leu (NM_001256876.3, NM_001256877.3, NM_001354331.2 and 2 more transcripts); c.595G>C, p.Val199Leu (NM_001354333.2, NM_001354335.2, NM_001354336.2 and 9 more transcripts); c.1069G>C (NM_015158.2); short protein forms V199L, V357L.
Identifiers: ClinVar variation 1446183 (VCV001446183.9), dbSNP rs756738968, ClinGen allele CA4960112.
Genomic context (GRCh38, chr9:711,835, plus strand): 5'-CGGGCCCGAAGAAGTGGCGGGGAATTATACATTGACTATGAGGAGGAAGAAATGGAGACC[G>C]TAGAACAGAGCACGCAGAGGATAAAGGAGTTCCGGCAACTTACAGCAGACATGCAAGCCC-3'
Protein context (NP_055973.2, residues 347-367): IDYEEEEMET[Val357Leu]EQSTQRIKEF